The following is an entry in ClinVar:

ClinVar aggregate classification (germline): Uncertain significance (1 of 4 stars; one submission).

Conditions:
Dyskeratosis congenita, autosomal recessive 5 (DKCB5). Identifiers: MedGen C3554656, MONDO:0014076, OMIM 615190.
Pulmonary fibrosis and/or bone marrow failure, Telomere-related, 3. Also called: PULMONARY FIBROSIS AND/OR BONE MARROW FAILURE SYNDROME, TELOMERE-RELATED, 3. Identifiers: Orphanet 2032, MedGen C4225346, MONDO:0014613, OMIM 616373.

Submission:

Labcorp Genetics (formerly Invitae), Labcorp
Classification: Uncertain significance for Dyskeratosis congenita, autosomal recessive 5; Pulmonary fibrosis and/or bone marrow failure, Telomere-related, 3. Last evaluated: 2021-11-05. Review status: criteria provided, single submitter. Criteria: Invitae Variant Classification Sherloc (09022015). Collection method: clinical testing. Allele origin: germline.
Comment: This sequence change replaces aspartic acid, which is acidic and polar, with tyrosine, which is neutral and polar, at codon 995 of the RTEL1 protein (p.Asp995Tyr). This variant is present in population databases (no rsID available, gnomAD 0.0009%). This variant has not been reported in the literature in individuals affected with RTEL1-related conditions. Algorithms developed to predict the effect of missense changes on protein structure and function are either unavailable or do not agree on the potential impact of this missense change (SIFT: "Tolerated"; PolyPhen-2: "Possibly Damaging"; Align-GVGD: "Class C0"). In summary, the available evidence is currently insufficient to determine the role of this variant in disease. Therefore, it has been classified as a Variant of Uncertain Significance.

NM_001283009.2(RTEL1):c.2983G>T (p.Asp995Tyr)

Genes: RTEL1 (regulator of telomere elongation helicase 1; plus strand), RTEL1-TNFRSF6B (RTEL1-TNFRSF6B readthrough (NMD candidate); plus strand). Cytogenetic location: 20q13.33.
Variant type: single nucleotide variant.
Coding change: c.2983G>T on transcript NM_001283009.2 (MANE Select); coding-DNA position 2983, G replaced by T.
Protein change: p.Asp995Tyr; replaces aspartic acid 995 with tyrosine.
Molecular consequence: missense variant. On other transcripts: non-coding transcript variant (1).
Genome position (GRCh38, 1-based): chr20:63,693,274, G>T. VCF-style: chr20-63693274-G-T. GRCh37 (hg19) VCF-style: chr20-62324627-G-T.
Other names: c.2314G>T, p.Asp772Tyr (NM_001283010.1); c.2983G>T, p.Asp995Tyr (NM_016434.4); c.3055G>T, p.Asp1019Tyr (NM_032957.5); short protein forms D772Y, D1019Y, D995Y.
Identifiers: ClinVar variation 2148536 (VCV002148536.1), dbSNP rs202020298, ClinGen allele CA409683417.